The following is an entry in ClinVar:

ClinVar aggregate classification (germline): Conflicting classifications of pathogenicity. Review status: criteria provided, conflicting classifications (1 of 4 stars). 3 submissions from 3 submitters: Uncertain significance (2); Likely benign (1). Last evaluated 2024-01-30.

Conditions:
Cardiovascular phenotype. Identifiers: MedGen CN230736.
Long QT syndrome (LQTS). Identifiers: MedGen C0023976, MeSH D008133, MONDO:0002442. Disease mechanism: loss of function. Inheritance: Various modes of inheritance.

Allele frequency attached by ClinVar (database versions not stated): TOPMed 0.00004; ExAC 0.00009.
gnomAD v4.1: 62 of 1,613,938 alleles (0.0038%); highest among the groups gnomAD compares: South Asian, 0.042%; no homozygotes.

Submissions (3):

GeneDx
Classification: Uncertain significance. Last evaluated: 2024-01-30. Review status: criteria provided, single submitter. Criteria: GeneDx Variant Classification Process June 2021. Collection method: clinical testing. Allele origin: germline.
Comment: Has not been previously published as pathogenic or benign to our knowledge; In silico analysis supports that this missense variant has a deleterious effect on protein structure/function; This variant is associated with the following publications: (PMID: 30564305, 35932045)

Labcorp Genetics (formerly Invitae), Labcorp
Classification: Uncertain significance for Long QT syndrome. Last evaluated: 2023-08-27. Review status: criteria provided, single submitter. Criteria: Invitae Variant Classification Sherloc (09022015). Collection method: clinical testing. Allele origin: germline.
Comment: This sequence change replaces proline, which is neutral and non-polar, with leucine, which is neutral and non-polar, at codon 3841 of the ANK2 protein (p.Pro3841Leu). This variant is present in population databases (rs767769233, gnomAD 0.05%), and has an allele count higher than expected for a pathogenic variant. In summary, the available evidence is currently insufficient to determine the role of this variant in disease. Therefore, it has been classified as a Variant of Uncertain Significance. Advanced modeling of protein sequence and biophysical properties (such as structural, functional, and spatial information, amino acid conservation, physicochemical variation, residue mobility, and thermodynamic stability) performed at Invitae indicates that this missense variant is not expected to disrupt ANK2 protein function. ClinVar contains an entry for this variant (Variation ID: 971822). This variant has not been reported in the literature in individuals affected with ANK2-related conditions.

Ambry Genetics
Classification: Likely benign for Cardiovascular phenotype. Last evaluated: 2023-01-06. Review status: criteria provided, single submitter. Criteria: Ambry Variant Classification Scheme 2023. Collection method: clinical testing. Allele origin: germline.

Literature cited by the submitters: PubMed 30564305 (cited by Ambry Genetics).

NM_001148.6(ANK2):c.11522C>T (p.Pro3841Leu)

Gene: ANK2 (ankyrin 2; plus strand). Cytogenetic location: 4q26.
Variant type: single nucleotide variant.
Coding change: c.11522C>T on transcript NM_001148.6 (MANE Select); coding-DNA position 11522, C replaced by T.
Protein change: p.Pro3841Leu; replaces proline 3841 with leucine.
Molecular consequence: missense variant.
Genome position (GRCh38, 1-based): chr4:113,369,717, C>T. VCF-style: chr4-113369717-C-T. GRCh37 (hg19) VCF-style: chr4-114290873-C-T.
Other names: c.5240C>T, p.Pro1747Leu (NM_001127493.3); c.5279C>T, p.Pro1760Leu (NM_001354225.2); c.5168C>T, p.Pro1723Leu (NM_001354228.2, NM_001354258.2); c.5246C>T, p.Pro1749Leu (NM_001354230.2); c.5309C>T, p.Pro1770Leu (NM_001354231.2, NM_001354242.2); c.5303C>T, p.Pro1768Leu (NM_001354232.2); c.5264C>T, p.Pro1755Leu (NM_001354235.2, NM_001354246.2, NM_001354265.2); c.5165C>T, p.Pro1722Leu (NM_001354236.2); and 35 more; short protein forms P1694L, P1702L, P1709L, P1746L, P1755L, P1756L, P1760L, P1771L.
Identifiers: ClinVar variation 971822 (VCV000971822.13), dbSNP rs767769233, ClinGen allele CA3052299.